The following is an entry in ClinVar:

NM_004168.4(SDHA):c.57C>G (p.Ala19=)

Gene: SDHA (succinate dehydrogenase complex flavoprotein subunit A; plus strand). Cytogenetic location: 5p15.33.
Variant type: single nucleotide variant.
Coding change: c.57C>G on transcript NM_004168.4 (MANE Select); coding-DNA position 57, C replaced by G.
Protein change: p.Ala19=; no amino-acid change (alanine 19 retained).
Molecular consequence: synonymous variant.
Genome position (GRCh38, 1-based): chr5:218,412, C>G. VCF-style: chr5-218412-C-G. GRCh37 (hg19) VCF-style: chr5-218527-C-G.
Other names: c.57C>G, p.Ala19= (NM_001294332.2, NM_001330758.2).
Identifiers: ClinVar variation 252901 (VCV000252901.18), dbSNP rs749948037, ClinGen allele CA3172691.

ClinVar aggregate classification (germline): Benign/Likely benign. Review status: criteria provided, multiple submitters, no conflicts (2 of 4 stars). 4 submissions from 4 submitters: Benign (1); Likely benign (3). Last evaluated 2025-12-15.

Conditions:
Mitochondrial complex II deficiency, nuclear type 1. Also called: SUCCINATE CoQ REDUCTASE DEFICIENCY. Identifiers: Orphanet 3208, MedGen C5700310, MONDO:0100294, OMIM 252011.
Pheochromocytoma/paraganglioma syndrome 5. Also called: Paragangliomas 5; SDHA-Related Hereditary Paraganglioma-Pheochromocytoma Syndrome. Identifiers: Orphanet 29072, MedGen C3279992, MONDO:0013602, OMIM 614165.
Hereditary cancer-predisposing syndrome. Also called: Hereditary Cancer Syndrome; Hereditary neoplastic syndrome; Neoplastic Syndromes, Hereditary; Tumor predisposition. Identifiers: Orphanet 140162, MedGen C0027672, MeSH D009386, MONDO:0015356.

Allele frequency attached by ClinVar (database versions not stated): gnomAD exomes below 0.00001; gnomAD 0.00001; ExAC 0.00002.
gnomAD v4.1: 6 of 1,440,376 alleles (0.00042%); highest among the groups gnomAD compares: Admixed American, 0.0027%; no homozygotes.

Submissions (4):

Labcorp Genetics (formerly Invitae), Labcorp
Classification: Likely benign for Pheochromocytoma/paraganglioma syndrome 5; Mitochondrial complex II deficiency, nuclear type 1. Last evaluated: 2025-12-15. Review status: criteria provided, single submitter. Criteria: Invitae Variant Classification Sherloc (09022015). Collection method: clinical testing. Allele origin: germline.

Myriad Genetics, Inc.
Classification: Benign for Pheochromocytoma/paraganglioma syndrome 5. Last evaluated: 2025-02-28. Review status: criteria provided, single submitter. Criteria: Myriad Autosomal Dominant, Autosomal Recessive and X-Linked Classification Criteria (2023). Collection method: clinical testing. Allele origin: unknown.
Comment: This variant is considered benign. This variant is a silent/synonymous amino acid change and it is not expected to impact splicing.

GeneDx
Classification: Likely benign. Last evaluated: 2018-04-10. Review status: criteria provided, single submitter. Criteria: GeneDx Variant Classification (06012015). Collection method: clinical testing. Allele origin: germline. Affected: yes.
Comment: This variant is considered likely benign or benign based on one or more of the following criteria: it is a conservative change, it occurs at a poorly conserved position in the protein, it is predicted to be benign by multiple in silico algorithms, and/or has population frequency not consistent with disease.

Ambry Genetics
Classification: Likely benign for Hereditary cancer-predisposing syndrome. Last evaluated: 2014-10-30. Review status: criteria provided, single submitter. Criteria: Ambry Variant Classification Scheme 2023. Collection method: clinical testing. Allele origin: germline.